The following is an entry in ClinVar:

ClinVar aggregate classification (germline): Conflicting classifications of pathogenicity. Review status: criteria provided, conflicting classifications (1 of 4 stars). 10 submissions from 10 submitters: Uncertain significance (1); Benign (2); Likely benign (6). 1 of the submissions does not count toward it. Last evaluated 2026-01-31.

Conditions:
TSC2-related disorder. Also called: TSC2-Related Disorders; TSC2-related condition.
Hereditary cancer-predisposing syndrome. Also called: Hereditary Cancer Syndrome; Neoplastic Syndromes, Hereditary; Hereditary neoplastic syndrome; Tumor predisposition. Identifiers: Orphanet 140162, MedGen C0027672, MeSH D009386, MONDO:0015356.
Tuberous sclerosis syndrome (TSC). Also called: Tuberous Sclerosis Complex; Tuberous sclerosis. Identifiers: Orphanet 805, MedGen C0041341, MONDO:0001734.
Tuberous sclerosis 2 (TSC2). Identifiers: Orphanet 805, MedGen C1860707, MONDO:0013199, OMIM 613254.

Allele frequency attached by ClinVar (database versions not stated): gnomAD 0.00002; TOPMed 0.00002; ExAC 0.00003; gnomAD exomes 0.00004.
gnomAD v4.1: 27 of 1,611,400 alleles (0.0017%); highest among the groups gnomAD compares: East Asian, 0.011%; no homozygotes.

Submissions (10):

Labcorp Genetics (formerly Invitae), Labcorp
Classification: Benign for Tuberous sclerosis 2. Last evaluated: 2026-01-31. Review status: criteria provided, single submitter. Criteria: Invitae Variant Classification Sherloc (09022015). Collection method: clinical testing. Allele origin: germline.

PreventionGenetics, part of Exact Sciences
Classification: Likely benign for TSC2-related condition. Last evaluated: 2026-01-11. Review status: criteria provided, single submitter. Criteria: ACMG Guidelines, 2015. Collection method: clinical testing. Allele origin: germline.
Comment: This variant is classified as likely benign based on ACMG/AMP sequence variant interpretation guidelines (Richards et al. 2015 PMID: 25741868, with internal and published modifications).

Myriad Genetics, Inc.
Classification: Likely benign for Tuberous sclerosis 2. Last evaluated: 2024-08-23. Review status: criteria provided, single submitter. Criteria: Myriad Autosomal Dominant, Autosomal Recessive and X-Linked Classification Criteria (2023). Collection method: clinical testing. Allele origin: unknown.
Comment: This variant is considered likely benign. This variant has been observed at a population frequency that is significantly greater than expected given the associated disease prevalence and penetrance.

All of Us Research Program, National Institutes of Health
Classification: Uncertain significance for Tuberous sclerosis syndrome. Last evaluated: 2024-08-06. Review status: criteria provided, single submitter. Criteria: ACMG Guidelines, 2015. Collection method: clinical testing. Allele origin: germline. Inheritance: Autosomal dominant inheritance. Observed: 3 variant alleles, 3 heterozygotes.
Comment: This study involves interpretation of variants in research participants for the purpose of population health screening. Participant phenotype was not available at the time of variant classification. Additional details can be found in publication PMID: 35346344, PMCID: PMC8962531

Color Diagnostics, LLC DBA Color Health
Classification: Likely benign for Tuberous sclerosis syndrome. Last evaluated: 2023-01-26. Review status: criteria provided, single submitter. Criteria: ACMG Guidelines, 2015. Collection method: clinical testing. Allele origin: germline.

Ambry Genetics
Classification: Benign for Hereditary cancer-predisposing syndrome. Last evaluated: 2022-12-22. Review status: criteria provided, single submitter. Criteria: Ambry Variant Classification Scheme 2023. Collection method: clinical testing. Allele origin: germline.

Genome-Nilou Lab
Classification: Likely benign for Tuberous sclerosis 2. Last evaluated: 2021-11-07. Review status: criteria provided, single submitter. Criteria: ACMG Guidelines, 2015. Collection method: clinical testing. Allele origin: germline. Affected: no.

Sema4
Classification: Likely benign for Hereditary cancer-predisposing syndrome. Last evaluated: 2021-07-08. Review status: criteria provided, single submitter. Criteria: Sema4 Curation Guidelines. Collection method: curation. Allele origin: germline.

GeneDx
Classification: Likely benign. Last evaluated: 2016-11-09. Review status: criteria provided, single submitter. Criteria: GeneDx Variant Classification (06012015). Collection method: clinical testing. Allele origin: germline. Affected: yes.
Comment: This variant is considered likely benign or benign based on one or more of the following criteria: it is a conservative change, it occurs at a poorly conserved position in the protein, it is predicted to be benign by multiple in silico algorithms, and/or has population frequency not consistent with disease.

Tuberous sclerosis database (TSC2)
No classification provided. Condition: TSC. Review status: no classification provided. Criteria: Tuberous Sclerosis Database Assertion Criteria 2015. Collection method: curation. Allele origin: germline. Affected: yes. Not counted in ClinVar's aggregate classification.

Literature cited by the submitters: PubMed 15595939 (cited by Ambry Genetics); PubMed 29933521 (cited by Ambry Genetics).

NM_000548.5(TSC2):c.4906G>A (p.Asp1636Asn)

Gene: TSC2 (TSC complex subunit 2; plus strand). Cytogenetic location: 16p13.3.
Variant type: single nucleotide variant.
Coding change: c.4906G>A on transcript NM_000548.5 (MANE Select); coding-DNA position 4906, G replaced by A.
Protein change: p.Asp1636Asn; replaces aspartic acid 1636 with asparagine.
Molecular consequence: missense variant.
Genome position (GRCh38, 1-based): chr16:2,086,788, G>A. VCF-style: chr16-2086788-G-A. GRCh37 (hg19) VCF-style: chr16-2136789-G-A.
Other names: p.D1636N:GAC>AAC; c.4705G>A, p.Asp1569Asn (NM_001077183.3); c.4837G>A, p.Asp1613Asn (NM_001114382.3); c.4597G>A, p.Asp1533Asn (NM_001318827.2); c.4561G>A, p.Asp1521Asn (NM_001318829.2); c.4174G>A, p.Asp1392Asn (NM_001318831.2); c.4738G>A, p.Asp1580Asn (NM_001318832.2); c.4708G>A, p.Asp1570Asn (NM_001363528.2); and 3 more; short protein forms D1636N, D1569N, D1392N, D1533N, D1593N, D1521N, D1570N, D1580N.
Identifiers: ClinVar variation 49880 (VCV000049880.21), dbSNP rs45482398, ClinGen allele CA021203.